The following is an entry in ClinVar:

NM_182931.3(KMT2E):c.2359C>T (p.Pro787Ser)

Gene: KMT2E (lysine methyltransferase 2E (inactive); plus strand). Cytogenetic location: 7q22.3.
Variant type: single nucleotide variant.
Coding change: c.2359C>T on transcript NM_182931.3 (MANE Select); coding-DNA position 2359, C replaced by T.
Protein change: p.Pro787Ser; replaces proline 787 with serine.
Molecular consequence: missense variant.
Genome position (GRCh38, 1-based): chr7:105,105,601, C>T. VCF-style: chr7-105105601-C-T. GRCh37 (hg19) VCF-style: chr7-104746048-C-T.
Other names: c.2359C>T, p.Pro787Ser (NM_018682.4); short protein forms P787S.
Identifiers: ClinVar variation 1321496 (VCV001321496.2), dbSNP rs2129569772, ClinGen allele CA368786103.

ClinVar aggregate classification (germline): Uncertain significance (1 of 4 stars; one submission).

Submission:

GeneDx
Classification: Uncertain significance. Last evaluated: 2021-10-28. Review status: criteria provided, single submitter. Criteria: GeneDx Variant Classification Process June 2021. Collection method: clinical testing. Allele origin: germline. Affected: yes.
Comment: Not observed at significant frequency in large population cohorts (Lek et al., 2016); In silico analysis supports that this missense variant has a deleterious effect on protein structure/function; Has not been previously published as pathogenic or benign to our knowledge